The following is an entry in ClinVar:

ClinVar aggregate classification (germline): Uncertain significance (1 of 4 stars; one submission).

Conditions:
Hypertrophic cardiomyopathy 26. Also called: Cardiomyopathy, familial hypertrophic, 26. Identifiers: Orphanet 75249, MedGen C4310749, MONDO:0014883, OMIM 617047.
Distal myopathy with posterior leg and anterior hand involvement. Also called: WILLIAMS DISTAL MYOPATHY. Identifiers: Orphanet 63273, MedGen C3279722, MONDO:0013550, OMIM 614065.
Myofibrillar myopathy 5. Also called: Filaminopathy (type); FILAMINOPATHY, AUTOSOMAL DOMINANT. Identifiers: Orphanet 171445, MedGen C1836050, MONDO:0012289, OMIM 609524.

Allele frequency attached by ClinVar (database versions not stated): gnomAD exomes below 0.00001.
gnomAD v4.1: 1 of 1,614,202 alleles (0.000062%); highest among the groups gnomAD compares: Non-Finnish European, 0.000085%; no homozygotes.

Submission:

Labcorp Genetics (formerly Invitae), Labcorp
Classification: Uncertain significance for Distal myopathy with posterior leg and anterior hand involvement; Myofibrillar myopathy 5; Hypertrophic cardiomyopathy 26. Last evaluated: 2020-08-14. Review status: criteria provided, single submitter. Criteria: Invitae Variant Classification Sherloc (09022015). Collection method: clinical testing. Allele origin: germline.
Comment: This variant has not been reported in the literature in individuals with FLNC-related conditions. This variant is not present in population databases (ExAC no frequency). This sequence change replaces threonine with isoleucine at codon 691 of the FLNC protein (p.Thr691Ile). The threonine residue is moderately conserved and there is a moderate physicochemical difference between threonine and isoleucine. Algorithms developed to predict the effect of missense changes on protein structure and function (SIFT, PolyPhen-2, Align-GVGD) all suggest that this variant is likely to be tolerated, but these predictions have not been confirmed by published functional studies and their clinical significance is uncertain. In summary, the available evidence is currently insufficient to determine the role of this variant in disease. Therefore, it has been classified as a Variant of Uncertain Significance.

NM_001458.5(FLNC):c.2072C>T (p.Thr691Ile)

Gene: FLNC (filamin C; plus strand). Cytogenetic location: 7q32.1.
Variant type: single nucleotide variant.
Coding change: c.2072C>T on transcript NM_001458.5 (MANE Select); coding-DNA position 2072, C replaced by T.
Protein change: p.Thr691Ile; replaces threonine 691 with isoleucine.
Molecular consequence: missense variant.
Genome position (GRCh38, 1-based): chr7:128,841,518, C>T. VCF-style: chr7-128841518-C-T. GRCh37 (hg19) VCF-style: chr7-128481572-C-T.
Other names: c.2072C>T, p.Thr691Ile (NM_001127487.2); short protein forms T691I.
Identifiers: ClinVar variation 1053779 (VCV001053779.9), dbSNP rs2128935358, ClinGen allele CA369228003.
Genomic context (GRCh38, chr7:128,841,518, plus strand): 5'-AGGCCTTTGGGCCTGGCCTGGAGCCTACCGGCTGCATCGTGGACAAGCCCGCTGAGTTCA[C>T]CATTGATGCTCGTGCAGCTGGCAAGGGAGACCTGAAGCTCTATGCCCAGGTAGGTCATTG-3'
Protein context (NP_001449.3, residues 681-701): GCIVDKPAEF[Thr691Ile]IDARAAGKGD